The following is an entry in ClinVar:

ClinVar aggregate classification (germline): Uncertain significance (1 of 4 stars; one submission).

Conditions:
Cardiovascular phenotype. Identifiers: MedGen CN230736.

Submission:

Ambry Genetics
Classification: Uncertain significance for Cardiovascular phenotype. Last evaluated: 2022-01-30. Review status: criteria provided, single submitter. Criteria: Ambry Variant Classification Scheme 2023. Collection method: clinical testing. Allele origin: germline.
Comment: The p.N472S variant (also known as c.1415A>G), located in coding exon 12 of the RAF1 gene, results from an A to G substitution at nucleotide position 1415. The asparagine at codon 472 is replaced by serine, an amino acid with highly similar properties. This amino acid position is conserved. In addition, this alteration is predicted to be tolerated by in silico analysis. Since supporting evidence is limited at this time, the clinical significance of this alteration remains unclear.

NM_002880.4(RAF1):c.1415A>G (p.Asn472Ser)

Gene: RAF1 (Raf-1 proto-oncogene, serine/threonine kinase; minus strand). Cytogenetic location: 3p25.2.
Variant type: single nucleotide variant.
Coding change: c.1415A>G on transcript NM_002880.4 (MANE Select); coding-DNA position 1415, A replaced by G.
Protein change: p.Asn472Ser; replaces asparagine 472 with serine.
Molecular consequence: missense variant. On other transcripts: non-coding transcript variant (3).
Genome position (GRCh38, 1-based): chr3:12,587,593, T>C on the plus strand (A>G on the coding strand, the complement: RAF1 is on the minus strand). VCF-style: chr3-12587593-T-C. GRCh37 (hg19) VCF-style: chr3-12629092-T-C.
Other names: c.1475A>G, p.Asn492Ser (NM_001354689.3); c.1415A>G, p.Asn472Ser (NM_001354690.3); c.1172A>G, p.Asn391Ser (NM_001354691.3, NM_001354692.3); c.1316A>G, p.Asn439Ser (NM_001354693.3); c.1232A>G, p.Asn411Ser (NM_001354694.3); c.1073A>G, p.Asn358Ser (NM_001354695.3); short protein forms N358S, N439S, N492S, N391S, N472S, N411S.
Identifiers: ClinVar variation 1772115 (VCV001772115.2), dbSNP rs2470205703, ClinGen allele CA351500200.
Genomic context (GRCh38, chr3:12,587,593, plus strand): 5'-TTCTGTTTCCCTAAATTTAGAACCGAGCAGTCAAATGAACTCAACAACCAAAGGATACTG[T>C]TGGATTTCATGTCTCTATGGATGATGTTCTTTGCATGCAAATAGCTGTGAAGGGAAAAGA-3'
Protein context (NP_002871.1, residues 462-482): KNIIHRDMKS[Asn472Ser]NIFLHEGLTV